The following is an entry in ClinVar:

NM_000237.3(LPL):c.*1928T>C

Gene: LPL (lipoprotein lipase; plus strand). Cytogenetic location: 8p21.3.
Variant type: single nucleotide variant.
Coding change: c.*1928T>C on transcript NM_000237.3 (MANE Select); 1928 bases downstream of the stop codon, T replaced by C.
Molecular consequence: 3 prime UTR variant.
Genome position (GRCh38, 1-based): chr8:19,967,238, T>C. VCF-style: chr8-19967238-T-C. GRCh37 (hg19) VCF-style: chr8-19824749-T-C.
Identifiers: ClinVar variation 911786 (VCV000911786.4), dbSNP rs79756214, ClinGen allele CA173618790.

ClinVar aggregate classification (germline): Benign (1 of 4 stars; one submission).

Conditions:
Hyperlipoproteinemia, type I. Also called: HYPERLIPOPROTEINEMIA, TYPE IA; LPL DEFICIENCY; Lipoprotein Lipase Deficiency; Hyperlipoproteinemia type 1; Hyperchylomicro-nemia familial; Familial chylomicronemia. Identifiers: Orphanet 309015, Orphanet 444490, MedGen C0023817, MONDO:0009387, OMIM 238600. Disease mechanism: loss of function.

Allele frequency attached by ClinVar (database versions not stated): gnomAD 0.00477 and 0.00516; TOPMed 0.00552; 1000 Genomes Project 0.00419; 1000 Genomes Project 30x 0.00437.

Submission:

Illumina Laboratory Services, Illumina
Classification: Benign for Hyperlipoproteinemia, type I. Last evaluated: 2018-01-12. Review status: criteria provided, single submitter. Criteria: ICSL Variant Classification Criteria 13 December 2019. Collection method: clinical testing. Allele origin: germline.
Comment: This variant was observed in the ICSL laboratory as part of a predisposition screen in an ostensibly healthy population. It had not been previously curated by ICSL or reported in the Human Gene Mutation Database (HGMD: prior to June 1st, 2018), and was therefore a candidate for classification through an automated scoring system. Utilizing variant allele frequency, disease prevalence and penetrance estimates, and inheritance mode, an automated score was calculated to assess if this variant is too frequent to cause the disease. Based on the score and internal cut-off values, a variant classified as benign is not then subjected to further curation. The score for this variant resulted in a classification of benign for this disease.